The following is an entry in ClinVar:

ClinVar aggregate classification (germline): Benign/Likely benign. Review status: criteria provided, multiple submitters, no conflicts (2 of 4 stars). 3 submissions from 3 submitters: Benign (1); Likely benign (2). Last evaluated 2026-07-01.

Conditions:
Prader-Willi syndrome (PWS). Identifiers: Orphanet 739, MedGen C0032897, MONDO:0008300, OMIM 176270. Disease mechanism: Microdeletion, loss of function. Inheritance: Microdletion.

Allele frequency attached by ClinVar (database versions not stated): gnomAD exomes 0.00043 and 0.00105; ExAC 0.00133; ESP Exome Variant Server 0.00400; gnomAD 0.00408 and 0.00430; TOPMed 0.00459; 1000 Genomes Project 0.00519; 1000 Genomes Project 30x 0.00562.
gnomAD v4.1: 1,272 of 1,614,136 alleles (0.079%); highest among the groups gnomAD compares: African/African-American, 1.4%; 8 homozygotes.

Submissions (3):

CeGaT Center for Human Genetics Tuebingen
Classification: Likely benign. Last evaluated: 2026-07-01. Review status: criteria provided, single submitter. Criteria: CeGaT Center For Human Genetics Tuebingen Variant Classification Criteria Version 2. Collection method: clinical testing. Allele origin: germline. Affected: yes. Observed: 1 variant allele.
Comment: NPAP1: BP4, BS1

Fulgent Genetics
Classification: Likely benign for Prader-Willi syndrome. Last evaluated: 2022-05-17. Review status: criteria provided, single submitter. Criteria: ACMG Guidelines, 2015. Collection method: clinical testing. Allele origin: unknown.

Labcorp Genetics (formerly Invitae), Labcorp
Classification: Benign. Last evaluated: 2018-04-10. Review status: criteria provided, single submitter. Criteria: Invitae Variant Classification Sherloc (09022015). Collection method: clinical testing. Allele origin: germline.

NM_018958.3(NPAP1):c.3046G>T (p.Asp1016Tyr)

Gene: NPAP1 (nuclear pore associated protein 1; plus strand). Cytogenetic location: 15q11.2.
Variant type: single nucleotide variant.
Coding change: c.3046G>T on transcript NM_018958.3 (MANE Select); coding-DNA position 3046, G replaced by T.
Protein change: p.Asp1016Tyr; replaces aspartic acid 1016 with tyrosine.
Molecular consequence: missense variant.
Genome position (GRCh38, 1-based): chr15:24,678,913, G>T. VCF-style: chr15-24678913-G-T. GRCh37 (hg19) VCF-style: chr15-24924060-G-T.
Other names: short protein forms D1016Y.
Identifiers: ClinVar variation 784296 (VCV000784296.5), dbSNP rs74942536, ClinGen allele CA7431042.